The following is an entry in ClinVar:

NM_004055.5(CAPN5):c.547G>A (p.Ala183Thr)

Gene: CAPN5 (calpain 5; plus strand). Cytogenetic location: 11q13.5.
Variant type: single nucleotide variant.
Coding change: c.547G>A on transcript NM_004055.5 (MANE Select); coding-DNA position 547, G replaced by A.
Protein change: p.Ala183Thr; replaces alanine 183 with threonine.
Molecular consequence: missense variant.
Genome position (GRCh38, 1-based): chr11:77,114,282, G>A. VCF-style: chr11-77114282-G-A. GRCh37 (hg19) VCF-style: chr11-76825328-G-A.
Other names: short protein forms A183T.
Identifiers: ClinVar variation 1040185 (VCV001040185.9), dbSNP rs782423035, ClinGen allele CA381937769.

ClinVar aggregate classification (germline): Uncertain significance (1 of 4 stars; one submission).

gnomAD v4.1: 4 of 1,614,214 alleles (0.00025%); highest among the groups gnomAD compares: African/African-American, 0.0013%; no homozygotes.

Submission:

Labcorp Genetics (formerly Invitae), Labcorp
Classification: Uncertain significance. Last evaluated: 2020-01-20. Review status: criteria provided, single submitter. Criteria: Invitae Variant Classification Sherloc (09022015). Collection method: clinical testing. Allele origin: germline.
Comment: This sequence change replaces alanine with threonine at codon 183 of the CAPN5 protein (p.Ala183Thr). The alanine residue is moderately conserved and there is a small physicochemical difference between alanine and threonine. This variant is not present in population databases (ExAC no frequency). This variant has not been reported in the literature in individuals with CAPN5-related conditions. Algorithms developed to predict the effect of missense changes on protein structure and function are either unavailable or do not agree on the potential impact of this missense change (SIFT: "Deleterious"; PolyPhen-2: "Probably Damaging"; Align-GVGD: "Class C0"). In summary, the available evidence is currently insufficient to determine the role of this variant in disease. Therefore, it has been classified as a Variant of Uncertain Significance.